The following is an entry in ClinVar:

NM_001267550.2(TTN):c.34637del (p.Pro11546fs)

Gene: TTN (titin; minus strand). Cytogenetic location: 2q31.2.
Variant type: Deletion.
Coding change: c.34637del on transcript NM_001267550.2 (MANE Select); coding-DNA position 34637, one base deleted (C; older notation c.34637delC).
Protein change: p.Pro11546fs; shifts the reading frame from proline 11546.
Molecular consequence: frameshift variant. On other transcripts: intron variant (3).
Genome position (GRCh38, 1-based): chr2:178,674,385, G deleted on the plus strand (C on the coding strand, the reverse complement: TTN is on the minus strand); the first of 2 consecutive G bases (chr2:178,674,385-178,674,386); deleting either gives the same sequence. VCF-style (leftmost placement, unchanged base first): chr2-178674384-AG-A. GRCh37 (hg19) VCF-style: chr2-179539111-AG-A.
Other names: c.33515del, p.Pro11172fs (NM_001256850.1); c.30734del, p.Pro10245fs (NM_133378.4); c.13283-32068del (NM_003319.4); c.13859-32068del (NM_133437.4); c.13658-32068del (NM_133432.3); short protein forms P10245fs, P11172fs, P11546fs.
Identifiers: ClinVar variation 3761208 (VCV003761208.2).

ClinVar aggregate classification (germline): Likely pathogenic (1 of 4 stars; one submission).

Conditions:
Autosomal recessive limb-girdle muscular dystrophy type 2J (LGMDR10). Also called: Limb-girdle muscular dystrophy, type 2J; MUSCULAR DYSTROPHY, LIMB-GIRDLE, AUTOSOMAL RECESSIVE 10. Identifiers: Orphanet 140922, MedGen C1837342, MONDO:0012127, OMIM 608807.
Dilated cardiomyopathy 1G (CMD1G). Identifiers: Orphanet 154, MedGen C1858763, MONDO:0011400, OMIM 604145.

Submission:

Labcorp Genetics (formerly Invitae), Labcorp
Classification: Likely pathogenic for Dilated cardiomyopathy 1G; Autosomal recessive limb-girdle muscular dystrophy type 2J. Last evaluated: 2024-10-14. Review status: criteria provided, single submitter. Criteria: Invitae Variant Classification Sherloc (09022015). Collection method: clinical testing. Allele origin: germline.
Comment: This sequence change creates a premature translational stop signal (p.Pro11546Leufs*14) in the TTN gene. While this is not anticipated to result in nonsense mediated decay, it is expected to create a truncated TTN protein. This variant is not present in population databases (gnomAD no frequency). This variant has not been reported in the literature in individuals affected with TTN-related conditions. This variant is located in the I band of TTN (PMID: 25589632). Truncating variants in this region have been reported in individuals affected with autosomal recessive centronuclear myopathy (PMID: 23975875, internal data). Truncating variants in this region have also been identified in individuals affected with autosomal dominant dilated cardiomyopathy and/or cardio-related conditions (PMID: 27869827, 32964742, internal data). In summary, the currently available evidence indicates that the variant is pathogenic, but additional data are needed to prove that conclusively. Therefore, this variant has been classified as Likely Pathogenic.

Literature cited by the submitters: PubMed 25589632; PubMed 23975875; PubMed 27869827; PubMed 32964742.